The following is an entry in ClinVar:

NM_017636.4(TRPM4):c.802G>A (p.Gly268Arg)

Gene: TRPM4 (transient receptor potential cation channel subfamily M member 4; plus strand). Cytogenetic location: 19q13.33.
Variant type: single nucleotide variant.
Coding change: c.802G>A on transcript NM_017636.4 (MANE Select); coding-DNA position 802, G replaced by A.
Protein change: p.Gly268Arg; replaces glycine 268 with arginine.
Molecular consequence: missense variant. On other transcripts: 5 prime UTR variant (2).
Genome position (GRCh38, 1-based): chr19:49,171,362, G>A. VCF-style: chr19-49171362-G-A. GRCh37 (hg19) VCF-style: chr19-49674619-G-A.
Other names: c.802G>A, p.Gly268Arg (NM_001195227.2); c.457G>A, p.Gly153Arg (NM_001321281.2); c.-752G>A (NM_001321282.2); c.280G>A, p.Gly94Arg (NM_001321283.2); c.-48G>A (NM_001321285.2); short protein forms G153R, G268R, G94R.
Identifiers: ClinVar variation 3368760 (VCV003368760.1).
Genomic context (GRCh38, chr19:49,171,362, plus strand): 5'-ATCTCCAGCAAAGGCTGATGGGAGGTAATCAAGCCCCCTTCTCTTCTTGCCTCAGGGACT[G>A]GAATTGACATCCCTGTCCTGCTCCTCCTGATTGATGGTGATGAGAAGATGTTGACGGTAT-3'
Protein context (NP_060106.2, residues 258-278): SQQKTGVGGT[Gly268Arg]IDIPVLLLLI

ClinVar aggregate classification (germline): Uncertain significance (1 of 4 stars; one submission).

Submission:

GeneDx
Classification: Uncertain significance. Last evaluated: 2024-02-01. Review status: criteria provided, single submitter. Criteria: GeneDx Variant Classification Process June 2021. Collection method: clinical testing. Allele origin: germline. Affected: yes.
Comment: Not observed at significant frequency in large population cohorts (gnomAD); In silico analysis supports that this missense variant has a deleterious effect on protein structure/function; Has not been previously published as pathogenic or benign to our knowledge